The following is an entry in ClinVar:

NM_002508.3(NID1):c.3510-4G>A

Gene: NID1 (nidogen 1; minus strand). Cytogenetic location: 1q42.3.
Variant type: single nucleotide variant.
Coding change: c.3510-4G>A on transcript NM_002508.3 (MANE Select); 4 bases into the intron before coding-DNA position 3510, G replaced by A.
Molecular consequence: intron variant.
Genome position (GRCh38, 1-based): chr1:235,979,111, C>T on the plus strand (G>A on the coding strand, the complement: NID1 is on the minus strand). VCF-style: chr1-235979111-C-T. GRCh37 (hg19) VCF-style: chr1-236142411-C-T.
Identifiers: ClinVar variation 780005 (VCV000780005.27), dbSNP rs11580785, ClinGen allele CA1467854.

ClinVar aggregate classification (germline): Benign. Review status: criteria provided, multiple submitters, no conflicts (2 of 4 stars). 2 submissions from 2 submitters: Benign (2). Last evaluated 2023-01-01.

Allele frequency attached by ClinVar (database versions not stated): 1000 Genomes Project 0.00379; 1000 Genomes Project 30x 0.00422; TOPMed 0.00811; ESP Exome Variant Server 0.00846; gnomAD 0.00877 and 0.00930; gnomAD exomes 0.00926 and 0.01170; ExAC 0.00943.
gnomAD v4.1: 18,045 of 1,586,162 alleles (1.1%); highest among the groups gnomAD compares: Non-Finnish European, 1.3%; 158 homozygotes.

Submissions (2):

CeGaT Center for Human Genetics Tuebingen
Classification: Benign. Last evaluated: 2023-01-01. Review status: criteria provided, single submitter. Criteria: CeGaT Center For Human Genetics Tuebingen Variant Classification Criteria Version 2. Collection method: clinical testing. Allele origin: germline. Affected: yes. Observed: 1 variant allele.
Comment: NID1: BP4, BS1, BS2

Labcorp Genetics (formerly Invitae), Labcorp
Classification: Benign. Last evaluated: 2018-06-15. Review status: criteria provided, single submitter. Criteria: Invitae Variant Classification Sherloc (09022015). Collection method: clinical testing. Allele origin: germline.